The following is an entry in ClinVar:

ClinVar aggregate classification (germline): Uncertain significance. Review status: criteria provided, multiple submitters, no conflicts (2 of 4 stars). 2 submissions from 2 submitters: Uncertain significance (2). Last evaluated 2025-12-23.

Conditions:
Inborn genetic diseases. Identifiers: MedGen C0950123, MeSH D030342.

Allele frequency attached by ClinVar (database versions not stated): gnomAD exomes 0.00001; TOPMed 0.00001; gnomAD 0.00002.
gnomAD v4.1: 7 of 1,599,978 alleles (0.00044%); highest among the groups gnomAD compares: Admixed American, 0.012%; no homozygotes.

Submissions (2):

Labcorp Genetics (formerly Invitae), Labcorp
Classification: Uncertain significance. Last evaluated: 2025-12-23. Review status: criteria provided, single submitter. Criteria: Invitae Variant Classification Sherloc (09022015). Collection method: clinical testing. Allele origin: germline.
Comment: This sequence change replaces glycine, which is neutral and non-polar, with alanine, which is neutral and non-polar, at codon 482 of the BCL11B protein (p.Gly482Ala). This variant is present in population databases (no rsID available, gnomAD 0.009%). This variant has not been reported in the literature in individuals affected with BCL11B-related conditions. ClinVar contains an entry for this variant (Variation ID: 2320813). Invitae Evidence Modeling of protein sequence and biophysical properties (such as structural, functional, and spatial information, amino acid conservation, physicochemical variation, residue mobility, and thermodynamic stability) indicates that this missense variant is not expected to disrupt BCL11B protein function with a negative predictive value of 95%. In summary, the available evidence is currently insufficient to determine the role of this variant in disease. Therefore, it has been classified as a Variant of Uncertain Significance.

Ambry Genetics
Classification: Uncertain significance for Inborn genetic diseases. Last evaluated: 2022-10-26. Review status: criteria provided, single submitter. Criteria: Ambry Variant Classification Scheme 2023. Collection method: clinical testing. Allele origin: germline.

NM_138576.4(BCL11B):c.1445G>C (p.Gly482Ala)

Gene: BCL11B (BCL11 transcription factor B; minus strand). Cytogenetic location: 14q32.2.
Variant type: single nucleotide variant.
Coding change: c.1445G>C on transcript NM_138576.4 (MANE Select); coding-DNA position 1445, G replaced by C.
Protein change: p.Gly482Ala; replaces glycine 482 with alanine.
Molecular consequence: missense variant.
Genome position (GRCh38, 1-based): chr14:99,175,391, C>G on the plus strand (G>C on the coding strand, the complement: BCL11B is on the minus strand). VCF-style: chr14-99175391-C-G. GRCh37 (hg19) VCF-style: chr14-99641728-C-G.
Other names: c.1442G>C, p.Gly481Ala (NM_001282237.2); c.1229G>C, p.Gly410Ala (NM_001282238.2); c.1232G>C, p.Gly411Ala (NM_022898.3); short protein forms G410A, G481A, G411A, G482A.
Identifiers: ClinVar variation 2320813 (VCV002320813.3), dbSNP rs1162718386, ClinGen allele CA390935351.